The following is an entry in ClinVar:

ClinVar aggregate classification (germline): Pathogenic/Likely pathogenic. Review status: criteria provided, multiple submitters, no conflicts (2 of 4 stars). 4 submissions from 4 submitters: Pathogenic (2); Likely pathogenic (1). 1 of the submissions does not count toward it. Last evaluated 2026-01-28.

Conditions:
Leber congenital amaurosis (LCA). Also called: Leber's amaurosis. Identifiers: Orphanet 65, MedGen C0339527, MeSH D057130, MONDO:0018998.
GUCY2D-related disorders.
Cone-rod dystrophy 6 (CORD6). Also called: RETINAL CONE DYSTROPHY 2; Cone dystrophy progressive. Identifiers: Orphanet 1872, MedGen C1866293, MONDO:0011143, OMIM 601777.
Leber congenital amaurosis 1 (LCA1). Also called: AMAUROSIS CONGENITA OF LEBER I; RETINAL BLINDNESS, CONGENITAL; Congenital absence of the rods and cones; Leber's congenital tapetoretinal degeneration; Leber's congenital tapetoretinal dysplasia. Identifiers: Orphanet 65, MedGen C2931258, MONDO:0008764, OMIM 204000.

Allele frequency attached by ClinVar (database versions not stated): gnomAD 0.00001; gnomAD exomes 0.00001; TOPMed 0.00001.
gnomAD v4.1: 20 of 1,613,808 alleles (0.0012%); highest among the groups gnomAD compares: Non-Finnish European, 0.0017%; no homozygotes.

Submissions (4):

Labcorp Genetics (formerly Invitae), Labcorp
Classification: Pathogenic for Leber congenital amaurosis 1; Cone-rod dystrophy 6. Last evaluated: 2026-01-28. Review status: criteria provided, single submitter. Criteria: Invitae Variant Classification Sherloc (09022015). Collection method: clinical testing. Allele origin: germline.
Comment: This sequence change replaces leucine, which is neutral and non-polar, with proline, which is neutral and non-polar, at codon 954 of the GUCY2D protein (p.Leu954Pro). This variant is present in population databases (rs61750182, gnomAD 0.003%). This missense change has been observed in individual(s) with autosomal recessive GUCY2D-related conditions (PMID: 11035546, 15123990, 26047050, 27208204). In at least one individual the data is consistent with being in trans (on the opposite chromosome) from a pathogenic variant. ClinVar contains an entry for this variant (Variation ID: 98578). Invitae Evidence Modeling of protein sequence and biophysical properties (such as structural, functional, and spatial information, amino acid conservation, physicochemical variation, residue mobility, and thermodynamic stability) indicates that this missense variant is expected to disrupt GUCY2D protein function with a positive predictive value of 80%. Experimental studies have shown that this missense change affects GUCY2D function (PMID: 15123990, 25477517). For these reasons, this variant has been classified as Pathogenic.

Women's Health and Genetics/Laboratory Corporation of America, LabCorp
Classification: Likely pathogenic for Leber congenital amaurosis. Last evaluated: 2025-02-25. Review status: criteria provided, single submitter. Criteria: LabCorp Variant Classification Summary - May 2015. Collection method: clinical testing. Allele origin: germline.
Comment: Variant summary: GUCY2D c.2861T>C (p.Leu954Pro) results in a non-conservative amino acid change located in the Catalytic domain (Tucker_2004) of the encoded protein sequence. Five of five in-silico tools predict a damaging effect of the variant on protein function. The variant allele was found at a frequency of 8e-06 in 250980 control chromosomes (gnomAD). c.2861T>C has been reported in the literature in individuals affected with Leber Congenital Amaurosis (Koenekoop_2002, Galvin_2005, Pasadhika_2009, Wang_2015, Ellingford_2016). These data indicate that the variant may be associated with disease. At least one publication reports experimental evidence evaluating an impact on protein function and this variant results in a complete loss of retinal guanylate cyclase activity (Tucker_2004). The following publications have been ascertained in the context of this evaluation (PMID: 27208204, 15691574, 31964843, 12365911, 19959640, 15123990, 26047050, 25477517). ClinVar contains an entry for this variant (Variation ID: 98578). Based on the evidence outlined above, the variant was classified as likely pathogenic.

Blueprint Genetics
Classification: Pathogenic for GUCY2D-related disorders. Last evaluated: 2020-01-21. Review status: criteria provided, single submitter. Criteria: ACMG Guidelines, 2015. Collection method: clinical testing. Allele origin: germline. Affected: yes. Observed: 2 variant alleles.

Retina International
No classification provided. Review status: no classification provided. Collection method: not provided. Allele origin: not provided. Not counted in ClinVar's aggregate classification.

Literature cited by the submitters: PubMed 11035546 (cited by Labcorp Genetics (formerly Invitae), Labcorp); PubMed 15123990 (cited by Labcorp Genetics (formerly Invitae), Labcorp and Women's Health and Genetics/Laboratory Corporation of America, LabCorp); PubMed 26047050 (cited by Labcorp Genetics (formerly Invitae), Labcorp and Women's Health and Genetics/Laboratory Corporation of America, LabCorp); PubMed 27208204 (cited by Labcorp Genetics (formerly Invitae), Labcorp and Women's Health and Genetics/Laboratory Corporation of America, LabCorp); PubMed 25477517 (cited by Labcorp Genetics (formerly Invitae), Labcorp and Women's Health and Genetics/Laboratory Corporation of America, LabCorp); PubMed 19959640 (cited by Women's Health and Genetics/Laboratory Corporation of America, LabCorp); PubMed 31964843 (cited by Women's Health and Genetics/Laboratory Corporation of America, LabCorp); PubMed 15691574 (cited by Women's Health and Genetics/Laboratory Corporation of America, LabCorp); PubMed 12365911 (cited by Women's Health and Genetics/Laboratory Corporation of America, LabCorp).

NM_000180.4(GUCY2D):c.2861T>C (p.Leu954Pro)

Gene: GUCY2D (guanylate cyclase 2D, retinal; plus strand). Cytogenetic location: 17p13.1.
Variant type: single nucleotide variant.
Coding change: c.2861T>C on transcript NM_000180.4 (MANE Select); coding-DNA position 2861, T replaced by C.
Protein change: p.Leu954Pro; replaces leucine 954 with proline.
Molecular consequence: missense variant.
Genome position (GRCh38, 1-based): chr17:8,015,419, T>C. VCF-style: chr17-8015419-T-C. GRCh37 (hg19) VCF-style: chr17-7918737-T-C.
Other names: short protein forms L954P.
Identifiers: ClinVar variation 98578 (VCV000098578.7), dbSNP rs61750182, ClinGen allele CA226103.